The following is an entry in ClinVar:

NM_001126128.2(PROK2):c.-10C>A

Gene: PROK2 (prokineticin 2; minus strand). Cytogenetic location: 3p13.
Variant type: single nucleotide variant.
Coding change: c.-10C>A on transcript NM_001126128.2 (MANE Select); 10 bases upstream of the start codon, C replaced by A.
Molecular consequence: 5 prime UTR variant.
Genome position (GRCh38, 1-based): chr3:71,785,062, G>T on the plus strand (C>A on the coding strand, the complement: PROK2 is on the minus strand). VCF-style: chr3-71785062-G-T. GRCh37 (hg19) VCF-style: chr3-71834213-G-T.
Other names: c.-10C>A (NM_021935.4).
Identifiers: ClinVar variation 3355170 (VCV003355170.1).

ClinVar aggregate classification (germline): Likely benign (0 of 4 stars; one submission).

Conditions:
PROK2-related disorder. Also called: PROK2-related condition.

Submission:

PreventionGenetics, part of Exact Sciences
Classification: Likely benign for PROK2-related condition. Last evaluated: 2021-12-08. Review status: no assertion criteria provided. Collection method: clinical testing. Allele origin: germline.
Comment: This variant is classified as likely benign based on ACMG/AMP sequence variant interpretation guidelines (Richards et al. 2015 PMID: 25741868, with internal and published modifications).